The following is an entry in ClinVar:

ClinVar aggregate classification (germline): Benign. Review status: criteria provided, multiple submitters, no conflicts (2 of 4 stars). 2 submissions from 2 submitters: Benign (2). Last evaluated 2026-01-22.

Submissions (2):

Women's Health and Genetics/Laboratory Corporation of America, LabCorp
Classification: Benign. Last evaluated: 2026-01-22. Review status: criteria provided, single submitter. Criteria: LabCorp Variant Classification Summary - May 2015. Collection method: clinical testing. Allele origin: germline.
Comment: Variant summary: SYK c.129G>A results in a synonymous change. Consensus agreement among computation tools predict no significant impact on normal splicing. However, these predictions have yet to be confirmed by functional studies. The variant allele was found at a frequency of 0.16 in 246770 control chromosomes in the gnomAD database, including 3577 homozygotes. The observed variant frequency exceeds the estimated maximal expected allele frequency for disease-causing variants in SYK. To our knowledge, no occurrence of c.129G>A in individuals affected with SYK-related conditions and no experimental evidence demonstrating its impact on protein function have been reported. ClinVar contains an entry for this variant (Variation ID: 4683399). Based on the evidence outlined above, the variant was classified as benign.

Mayo Clinic Laboratories, Mayo Clinic
Classification: Benign. Last evaluated: 2022-09-06. Review status: criteria provided, single submitter. Criteria: ACMG Guidelines, 2015. Collection method: clinical testing. Allele origin: germline. Observed: 17 variant alleles.

NM_003177.7(SYK):c.129G>A (p.Gln43=)

Gene: SYK (spleen associated tyrosine kinase; plus strand). Cytogenetic location: 9q22.2.
Variant type: single nucleotide variant.
Coding change: c.129G>A on transcript NM_003177.7 (MANE Select); coding-DNA position 129, G replaced by A.
Protein change: p.Gln43=; no amino-acid change (glutamine 43 retained).
Molecular consequence: synonymous variant.
Genome position (GRCh38, 1-based): chr9:90,844,027, G>A. VCF-style: chr9-90844027-G-A. GRCh37 (hg19) VCF-style: chr9-93606309-G-A.
Other names: p.Gln43=; c.129G>A, p.Gln43= (NM_001135052.4, NM_001174167.3, NM_001174168.3).
Identifiers: ClinVar variation 4683399 (VCV004683399.2).